The following is an entry in ClinVar:

NM_014804.3(KIAA0753):c.1200G>A (p.Lys400=)

Gene: KIAA0753 (KIAA0753; minus strand). Cytogenetic location: 17p13.1.
Variant type: single nucleotide variant.
Coding change: c.1200G>A on transcript NM_014804.3 (MANE Select); coding-DNA position 1200, G replaced by A.
Protein change: p.Lys400=; no amino-acid change (lysine 400 retained).
Molecular consequence: synonymous variant. On other transcripts: non-coding transcript variant (3).
Genome position (GRCh38, 1-based): chr17:6,620,903, C>T on the plus strand (G>A on the coding strand, the complement: KIAA0753 is on the minus strand). VCF-style: chr17-6620903-C-T. GRCh37 (hg19) VCF-style: chr17-6524223-C-T.
Other names: c.303G>A, p.Lys101= (NM_001351225.2).
Identifiers: ClinVar variation 799148 (VCV000799148.12), dbSNP rs189528427, ClinGen allele CA8330559.

ClinVar aggregate classification (germline): Likely benign. Review status: criteria provided, multiple submitters, no conflicts (2 of 4 stars). 3 submissions from 3 submitters: Likely benign (2). 1 of the submissions does not count toward it. Last evaluated 2025-11-24.

Conditions:
KIAA0753-related disorder.

Allele frequency attached by ClinVar (database versions not stated): gnomAD exomes 0.00005 and 0.00011; ExAC 0.00015; 1000 Genomes Project 30x 0.00016; 1000 Genomes Project 0.00020; gnomAD 0.00050 and 0.00054; TOPMed 0.00054; ESP Exome Variant Server 0.00067.
gnomAD v4.1: 143 of 1,614,184 alleles (0.0089%); highest among the groups gnomAD compares: African/African-American, 0.18%; no homozygotes.

Submissions (3):

Labcorp Genetics (formerly Invitae), Labcorp
Classification: Likely benign. Last evaluated: 2025-11-24. Review status: criteria provided, single submitter. Criteria: Invitae Variant Classification Sherloc (09022015). Collection method: clinical testing. Allele origin: germline.

Blueprint Genetics
Classification: Likely benign. Last evaluated: 2024-05-03. Review status: criteria provided, single submitter. Criteria: ACMG Guidelines, 2015. Collection method: clinical testing. Allele origin: germline.

PreventionGenetics, part of Exact Sciences
Classification: Likely benign for KIAA0753-related condition. Last evaluated: 2019-06-06. Review status: no assertion criteria provided. Collection method: clinical testing. Allele origin: germline. Not counted in ClinVar's aggregate classification.
Comment: This variant is classified as likely benign based on ACMG/AMP sequence variant interpretation guidelines (Richards et al. 2015 PMID: 25741868, with internal and published modifications).